The following is an entry in ClinVar:

NM_198407.2(GHSR):c.171C>T (p.Gly57=)

Gene: GHSR (growth hormone secretagogue receptor; minus strand). Cytogenetic location: 3q26.31.
Variant type: single nucleotide variant.
Coding change: c.171C>T on transcript NM_198407.2 (MANE Select); coding-DNA position 171, C replaced by T.
Protein change: p.Gly57=; no amino-acid change (glycine 57 retained).
Molecular consequence: synonymous variant.
Genome position (GRCh38, 1-based): chr3:172,448,243, G>A on the plus strand (C>T on the coding strand, the complement: GHSR is on the minus strand). VCF-style: chr3-172448243-G-A. GRCh37 (hg19) VCF-style: chr3-172166033-G-A.
Other names: c.171C>T, p.Gly57= (NM_004122.2).
Identifiers: ClinVar variation 263109 (VCV000263109.18), dbSNP rs495225, ClinGen allele CA2706517.

ClinVar aggregate classification (germline): Benign. Review status: criteria provided, multiple submitters, no conflicts (2 of 4 stars). 8 submissions from 8 submitters: Benign (8). Last evaluated 2026-05-08.

Conditions:
Short stature due to growth hormone secretagogue receptor deficiency (GHDP). Also called: Short stature due to GHSR deficiency. Identifiers: Orphanet 314811, MedGen C5887324, MONDO:0014403, OMIM 615925.

Allele frequency attached by ClinVar (database versions not stated): 1000 Genomes Project 0.54014; 1000 Genomes Project 30x 0.54044; gnomAD 0.62908 and 0.63347; TOPMed 0.62988; ESP Exome Variant Server 0.63688; ExAC 0.65548; gnomAD exomes 0.66220.

Submissions (8):

Women's Health and Genetics/Laboratory Corporation of America, LabCorp
Classification: Benign. Last evaluated: 2026-05-08. Review status: criteria provided, single submitter. Criteria: LabCorp Variant Classification Summary - May 2015. Collection method: clinical testing. Allele origin: germline.

Labcorp Genetics (formerly Invitae), Labcorp
Classification: Benign. Last evaluated: 2026-02-04. Review status: criteria provided, single submitter. Criteria: Invitae Variant Classification Sherloc (09022015). Collection method: clinical testing. Allele origin: germline.

Blueprint Genetics
Classification: Benign. Last evaluated: 2024-11-26. Review status: criteria provided, single submitter. Criteria: ACMG Guidelines, 2015. Collection method: clinical testing. Allele origin: germline.

Genome-Nilou Lab
Classification: Benign for Short stature due to growth hormone secretagogue receptor deficiency. Last evaluated: 2021-08-10. Review status: criteria provided, single submitter. Criteria: ACMG Guidelines, 2015. Collection method: clinical testing. Allele origin: germline. Affected: no.

Illumina Laboratory Services, Illumina
Classification: Benign for Short stature due to growth hormone secretagogue receptor deficiency. Last evaluated: 2018-01-13. Review status: criteria provided, single submitter. Criteria: ICSL Variant Classification Criteria 13 December 2019. Collection method: clinical testing. Allele origin: germline.
Comment: This variant was observed in the ICSL laboratory as part of a predisposition screen in an ostensibly healthy population. It had not been previously curated by ICSL or reported in the Human Gene Mutation Database (HGMD: prior to June 1st, 2018), and was therefore a candidate for classification through an automated scoring system. Utilizing variant allele frequency, disease prevalence and penetrance estimates, and inheritance mode, an automated score was calculated to assess if this variant is too frequent to cause the disease. Based on the score and internal cut-off values, a variant classified as benign is not then subjected to further curation. The score for this variant resulted in a classification of benign for this disease.

GeneDx
Classification: Benign. Last evaluated: 2015-08-05. Review status: criteria provided, single submitter. Criteria: GeneDx Variant Classification (06012015). Collection method: clinical testing. Allele origin: germline. Affected: yes.
Comment: This variant is considered likely benign or benign based on one or more of the following criteria: it is a conservative change, it occurs at a poorly conserved position in the protein, it is predicted to be benign by multiple in silico algorithms, and/or has population frequency not consistent with disease.

Breakthrough Genomics
Classification: Benign. Review status: criteria provided, single submitter. Criteria: ACMG Guidelines, 2015. Collection method: not provided. Allele origin: germline. Inheritance: Autosomal dominant inheritance. Affected: yes.

PreventionGenetics, part of Exact Sciences
Classification: Benign. Review status: criteria provided, single submitter. Criteria: ACMG Guidelines, 2015. Collection method: clinical testing. Allele origin: germline.